The following is an entry in ClinVar:

NM_052844.4(DYNC2I2):c.1354G>C (p.Ala452Pro)

Gene: DYNC2I2 (dynein 2 intermediate chain 2; minus strand). Cytogenetic location: 9q34.11.
Variant type: single nucleotide variant.
Coding change: c.1354G>C on transcript NM_052844.4 (MANE Select); coding-DNA position 1354, G replaced by C.
Protein change: p.Ala452Pro; replaces alanine 452 with proline.
Molecular consequence: missense variant.
Genome position (GRCh38, 1-based): chr9:128,634,244, C>G on the plus strand (G>C on the coding strand, the complement: DYNC2I2 is on the minus strand). VCF-style: chr9-128634244-C-G. GRCh37 (hg19) VCF-style: chr9-131396523-C-G.
Other names: short protein forms A452P.
Identifiers: ClinVar variation 1681183 (VCV001681183.8), dbSNP rs2132135903, ClinGen allele CA375109024.

ClinVar aggregate classification (germline): Uncertain significance (1 of 4 stars; one submission).

Conditions:
Short-rib thoracic dysplasia 11 with or without polydactyly (SRTD11). Also called: SHORT-RIB THORACIC DYSPLASIA 11 WITHOUT POLYDACTYLY. Identifiers: Orphanet 474, Orphanet 93271, MedGen C3810200, MONDO:0014287, OMIM 615633.

Submission:

Labcorp Genetics (formerly Invitae), Labcorp
Classification: Uncertain significance for Short-rib thoracic dysplasia 11 with or without polydactyly. Last evaluated: 2022-01-15. Review status: criteria provided, single submitter. Criteria: Invitae Variant Classification Sherloc (09022015). Collection method: clinical testing. Allele origin: germline.
Comment: This sequence change replaces alanine, which is neutral and non-polar, with proline, which is neutral and non-polar, at codon 452 of the WDR34 protein (p.Ala452Pro). This variant is not present in population databases (gnomAD no frequency). This variant has not been reported in the literature in individuals affected with WDR34-related conditions. Algorithms developed to predict the effect of missense changes on protein structure and function (SIFT, PolyPhen-2, Align-GVGD) all suggest that this variant is likely to be disruptive. In summary, the available evidence is currently insufficient to determine the role of this variant in disease. Therefore, it has been classified as a Variant of Uncertain Significance.